The following is an entry in ClinVar:

NM_020843.4(SCAPER):c.2775A>G (p.Ala925=)

Gene: SCAPER (S-phase cyclin A associated protein in the ER; minus strand). Cytogenetic location: 15q24.3.
Variant type: single nucleotide variant.
Coding change: c.2775A>G on transcript NM_020843.4 (MANE Select); coding-DNA position 2775, A replaced by G.
Protein change: p.Ala925=; no amino-acid change (alanine 925 retained).
Molecular consequence: synonymous variant. On other transcripts: non-coding transcript variant (1).
Genome position (GRCh38, 1-based): chr15:76,574,221, T>C on the plus strand (A>G on the coding strand, the complement: SCAPER is on the minus strand). VCF-style: chr15-76574221-T-C. GRCh37 (hg19) VCF-style: chr15-76866562-T-C.
Other names: c.2793A>G (NM_001353009.1); c.2037A>G, p.Ala679= (NM_001145923.2); c.2793A>G, p.Ala931= (NM_001353009.2); c.2373A>G, p.Ala791= (NM_001353010.2, NM_001353012.2); c.2391A>G, p.Ala797= (NM_001353011.2).
Identifiers: ClinVar variation 2645584 (VCV002645584.26), dbSNP rs777072296, ClinGen allele CA7674604.

ClinVar aggregate classification (germline): Likely benign. Review status: criteria provided, multiple submitters, no conflicts (2 of 4 stars). 3 submissions from 3 submitters: Likely benign (2). 1 of the submissions does not count toward it. Last evaluated 2024-11-26.

Conditions:
SCAPER-related disorder. Also called: SCAPER-related condition.

Allele frequency attached by ClinVar (database versions not stated): ExAC 0.00002; TOPMed 0.00008; gnomAD 0.00009; gnomAD exomes 0.00014.
gnomAD v4.1: 218 of 1,611,760 alleles (0.014%); highest among the groups gnomAD compares: Non-Finnish European, 0.017%; no homozygotes.

Submissions (3):

Blueprint Genetics
Classification: Likely benign. Last evaluated: 2024-11-26. Review status: criteria provided, single submitter. Criteria: ACMG Guidelines, 2015. Collection method: clinical testing. Allele origin: germline.

CeGaT Center for Human Genetics Tuebingen
Classification: Likely benign. Last evaluated: 2023-02-01. Review status: criteria provided, single submitter. Criteria: CeGaT Center For Human Genetics Tuebingen Variant Classification Criteria Version 2. Collection method: clinical testing. Allele origin: germline. Affected: yes. Observed: 1 variant allele.
Comment: SCAPER: BP4, BP7

PreventionGenetics, part of Exact Sciences
Classification: Likely benign for SCAPER-related condition. Last evaluated: 2024-09-10. Review status: no assertion criteria provided. Collection method: clinical testing. Allele origin: germline. Not counted in ClinVar's aggregate classification.
Comment: This variant is classified as likely benign based on ACMG/AMP sequence variant interpretation guidelines (Richards et al. 2015 PMID: 25741868, with internal and published modifications).